The following is an entry in ClinVar:

NM_003126.4(SPTA1):c.6254A>G (p.His2085Arg)

Gene: SPTA1 (spectrin alpha, erythrocytic 1; minus strand). Cytogenetic location: 1q23.1.
Variant type: single nucleotide variant.
Coding change: c.6254A>G on transcript NM_003126.4 (MANE Select); coding-DNA position 6254, A replaced by G.
Protein change: p.His2085Arg; replaces histidine 2085 with arginine.
Molecular consequence: missense variant.
Genome position (GRCh38, 1-based): chr1:158,620,333, T>C on the plus strand (A>G on the coding strand, the complement: SPTA1 is on the minus strand). VCF-style: chr1-158620333-T-C. GRCh37 (hg19) VCF-style: chr1-158590123-T-C.
Other names: short protein forms H2085R.
Identifiers: ClinVar variation 4767482 (VCV004767482.1).

ClinVar aggregate classification (germline): Uncertain significance (1 of 4 stars; one submission).

gnomAD v4.1: 2 of 1,614,116 alleles (0.00012%); highest among the groups gnomAD compares: Admixed American, 0.0017%; no homozygotes.

Submission:

Labcorp Genetics (formerly Invitae), Labcorp
Classification: Uncertain significance. Last evaluated: 2025-06-10. Review status: criteria provided, single submitter. Criteria: Invitae Variant Classification Sherloc (09022015). Collection method: clinical testing. Allele origin: germline.
Comment: This sequence change replaces histidine, which is basic and polar, with arginine, which is basic and polar, at codon 2085 of the SPTA1 protein (p.His2085Arg). This variant is not present in population databases (gnomAD no frequency). This variant has not been reported in the literature in individuals affected with SPTA1-related conditions. Invitae Evidence Modeling of protein sequence and biophysical properties (such as structural, functional, and spatial information, amino acid conservation, physicochemical variation, residue mobility, and thermodynamic stability) indicates that this missense variant is expected to disrupt SPTA1 protein function with a positive predictive value of 80%. In summary, the available evidence is currently insufficient to determine the role of this variant in disease. Therefore, it has been classified as a Variant of Uncertain Significance.